The following is an entry in ClinVar:

ClinVar aggregate classification (germline): Pathogenic (1 of 4 stars; one submission).

Submission:

Labcorp Genetics (formerly Invitae), Labcorp
Classification: Pathogenic. Last evaluated: 2019-02-05. Review status: criteria provided, single submitter. Criteria: Invitae Variant Classification Sherloc (09022015). Collection method: clinical testing. Allele origin: germline.
Comment: This sequence change creates a premature translational stop signal (p.Ala97Phefs*52) in the LPL gene. It is expected to result in an absent or disrupted protein product. This variant is not present in population databases (ExAC no frequency). This variant has been observed in an individual affected with severe hypertriglyceridemia (PMID: 25966443). Loss-of-function variants in LPL are known to be pathogenic (PMID: 11334614). For these reasons, this variant has been classified as Pathogenic.

Literature cited by the submitters: PubMed 25966443; PubMed 11334614.

NM_000237.3(LPL):c.289_294delinsTTTGCCAAAA (p.Ala97fs)

Gene: LPL (lipoprotein lipase; plus strand). Cytogenetic location: 8p21.3.
Variant type: Indel.
Coding change: c.289_294delinsTTTGCCAAAA on transcript NM_000237.3 (MANE Select); coding-DNA positions 289 to 294, GCCGCC replaced by TTTGCCAAAA.
Protein change: p.Ala97fs; shifts the reading frame from alanine 97.
Molecular consequence: frameshift variant.
Genome position (GRCh38, 1-based): chr8:19,951,808-19,951,813, GCCGCC replaced by TTTGCCAAAA. VCF-style: chr8-19951808-GCCGCC-TTTGCCAAAA. GRCh37 (hg19) VCF-style: chr8-19809319-GCCGCC-TTTGCCAAAA.
Other names: short protein forms A97fs.
Identifiers: ClinVar variation 968107 (VCV000968107.6), dbSNP rs2069936535, ClinGen allele CA1139660383.